The following is an entry in ClinVar:

ClinVar aggregate classification (germline): Pathogenic (1 of 4 stars; one submission).

Submission:

Labcorp Genetics (formerly Invitae), Labcorp
Classification: Pathogenic. Last evaluated: 2021-06-14. Review status: criteria provided, single submitter. Criteria: Invitae Variant Classification Sherloc (09022015). Collection method: clinical testing. Allele origin: germline.
Comment: For these reasons, this variant has been classified as Pathogenic. This variant has not been reported in the literature in individuals with SLC12A6-related conditions. This variant is not present in population databases (ExAC no frequency). This sequence change creates a premature translational stop signal (p.Met818Argfs*6) in the SLC12A6 gene. It is expected to result in an absent or disrupted protein product. Loss-of-function variants in SLC12A6 are known to be pathogenic (PMID: 12368912, 16606917).

Literature cited by the submitters: PubMed 12368912; PubMed 16606917.

NM_001365088.1(SLC12A6):c.2453del (p.Met818fs)

Genes: SLC12A6 (solute carrier family 12 member 6; minus strand), LOC126862097 (P300/CBP strongly-dependent group 1 enhancer GRCh37_chr15:34531007-34532206; plus strand). Cytogenetic location: 15q14.
Variant type: Deletion.
Coding change: c.2453del on transcript NM_001365088.1 (MANE Select); coding-DNA position 2453, one base deleted (T; older notation c.2453delT).
Protein change: p.Met818fs; shifts the reading frame from methionine 818.
Molecular consequence: frameshift variant.
Genome position (GRCh38, 1-based): chr15:34,239,144, A deleted on the plus strand (T on the coding strand, the reverse complement: SLC12A6 is on the minus strand). VCF-style (leftmost placement, unchanged base first): chr15-34239143-CA-C. GRCh37 (hg19) VCF-style: chr15-34531344-CA-C.
Other names: c.2276del, p.Met759fs (NM_001042494.2, NM_001042495.2); c.2426del, p.Met809fs (NM_001042496.2); c.2408del, p.Met803fs (NM_001042497.2); c.2300del, p.Met767fs (NM_005135.2); c.2453del, p.Met818fs (NM_133647.2); short protein forms M759fs, M767fs, M803fs, M809fs, M818fs.
Identifiers: ClinVar variation 1458350 (VCV001458350.6), dbSNP rs2140654428, ClinGen allele CA2573150633.